The following is an entry in ClinVar:

ClinVar aggregate classification (germline): Likely benign. Review status: criteria provided, multiple submitters, no conflicts (2 of 4 stars). 2 submissions from 2 submitters: Likely benign (2). Last evaluated 2025-08-27.

Conditions:
Congenital myasthenic syndrome 13 (CMS13). Also called: Myasthenic syndrome, congenital, 13, with tubular aggregates; Myasthenic syndrome, congenital, with tubular aggregates 2. Identifiers: Orphanet 353327, Orphanet 590, MedGen C3553645, MONDO:0013883, OMIM 614750.
DPAGT1-congenital disorder of glycosylation. Also called: DPAGT1-CDG; CONGENITAL DISORDER OF GLYCOSYLATION, TYPE Ij; CDG Ij. Identifiers: Orphanet 86309, MedGen C2931004, MONDO:0011964, OMIM 608093.

Allele frequency attached by ClinVar (database versions not stated): gnomAD 0.00001.
gnomAD v4.1: 37 of 1,614,204 alleles (0.0023%); highest among the groups gnomAD compares: South Asian, 0.036%; no homozygotes.

Submissions (2):

Mayo Clinic Laboratories, Mayo Clinic
Classification: Likely benign. Last evaluated: 2025-08-27. Review status: criteria provided, single submitter. Criteria: ACMG Guidelines, 2015. Collection method: clinical testing. Allele origin: germline. Observed: 1 variant allele.
Comment: BP4, BP7

Labcorp Genetics (formerly Invitae), Labcorp
Classification: Likely benign for Congenital myasthenic syndrome 13; DPAGT1-congenital disorder of glycosylation. Last evaluated: 2019-07-26. Review status: criteria provided, single submitter. Criteria: Invitae Variant Classification Sherloc (09022015). Collection method: clinical testing. Allele origin: germline.

NM_001382.4(DPAGT1):c.822C>T (p.Thr274=)

Gene: DPAGT1 (dolichyl-phosphate N-acetylglucosaminephosphotransferase 1; minus strand). Cytogenetic location: 11q23.3.
Variant type: single nucleotide variant.
Coding change: c.822C>T on transcript NM_001382.4 (MANE Select); coding-DNA position 822, C replaced by T.
Protein change: p.Thr274=; no amino-acid change (threonine 274 retained).
Molecular consequence: synonymous variant.
Genome position (GRCh38, 1-based): chr11:119,097,950, G>A on the plus strand (C>T on the coding strand, the complement: DPAGT1 is on the minus strand). VCF-style: chr11-119097950-G-A. GRCh37 (hg19) VCF-style: chr11-118968660-G-A.
Other names: p.Thr274=.
Identifiers: ClinVar variation 1100325 (VCV001100325.10), dbSNP rs756625547, ClinGen allele CA6314525.